The following is an entry in ClinVar:

NM_001003694.2(BRPF1):c.3617G>A (p.Ser1206Asn)

Gene: BRPF1 (bromodomain and PHD finger containing 1; plus strand). Cytogenetic location: 3p25.3.
Variant type: single nucleotide variant.
Coding change: c.3617G>A on transcript NM_001003694.2 (MANE Select); coding-DNA position 3617, G replaced by A.
Protein change: p.Ser1206Asn; replaces serine 1206 with asparagine.
Molecular consequence: missense variant. On other transcripts: non-coding transcript variant (1).
Genome position (GRCh38, 1-based): chr3:9,747,303, G>A. VCF-style: chr3-9747303-G-A. GRCh37 (hg19) VCF-style: chr3-9788987-G-A.
Other names: c.3314G>A, p.Ser1105Asn (NM_001319049.2); c.3596G>A, p.Ser1199Asn (NM_001319050.2); c.3614G>A, p.Ser1205Asn (NM_001410704.1); c.3599G>A, p.Ser1200Asn (NM_004634.3); short protein forms S1105N, S1199N, S1200N, S1205N, S1206N.
Identifiers: ClinVar variation 3390697 (VCV003390697.1).
Genomic context (GRCh38, chr3:9,747,303, plus strand): 5'-GCAAGTCCAACATCCGCAAGTCAGTACAGATCGCCTACCACAGGGCTCTGCAGCACCGCA[G>A]CAAGGTGCAAGGCGAGCAGAGCAGTGAGACCAGCGATAGTGATTGATACTGCTCAACACA-3'
Protein context (NP_001003694.1, residues 1196-1216): IAYHRALQHR[Ser1206Asn]KVQGEQSSET

ClinVar aggregate classification (germline): Uncertain significance (1 of 4 stars; one submission).

Submission:

GeneDx
Classification: Uncertain significance. Last evaluated: 2024-06-06. Review status: criteria provided, single submitter. Criteria: GeneDx Variant Classification Process June 2021. Collection method: clinical testing. Allele origin: germline. Affected: yes.
Comment: Not observed at significant frequency in large population cohorts (gnomAD); In silico analysis indicates that this missense variant does not alter protein structure/function; Has not been previously published as pathogenic or benign to our knowledge